The following is an entry in ClinVar:

NR_033320.3(MIAT):n.1325G>A

Gene: MIAT (myocardial infarction associated transcript; plus strand). Cytogenetic location: 22q12.1.
Variant type: single nucleotide variant.
Molecular consequence: non-coding transcript variant (on NR_033320.3).
Genome position: GRCh38 VCF-style: chr22-26666705-G-A. GRCh37 (hg19) VCF-style: chr22-27062669-G-A.
Other names: 9186G-A; NC_000022.10:g.27062669G>A.
Identifiers: ClinVar variation 2691796 (VCV002691796.3), dbSNP rs2301523, ClinGen allele CA16003564.

ClinVar aggregate classification (germline): Benign (0 of 4 stars; one submission).

Conditions:
MIAT-related disorder. Also called: MIAT-related condition.

Allele frequency attached by ClinVar (database versions not stated): gnomAD exomes 0.12828; 1000 Genomes Project 30x 0.13257; 1000 Genomes Project 0.13299; TOPMed 0.14125; gnomAD 0.14241.
gnomAD v4.1: 53,486 of 398,554 alleles (13%); highest among the groups gnomAD compares: African/African-American, 18%; 3,795 homozygotes.

Submissions (6):

PreventionGenetics, part of Exact Sciences
Classification: Benign for MIAT-related condition. Last evaluated: 2020-01-28. Review status: no assertion criteria provided. Collection method: clinical testing. Allele origin: germline.
Comment: This variant is classified as benign based on ACMG/AMP sequence variant interpretation guidelines (Richards et al. 2015 PMID: 25741868, with internal and published modifications).

Dr. Peter K. Rogan Lab, Western University
No classification provided (evidence only). Condition: Acute myeloid leukemia. Review status: no classification provided. Collection method: in vitro. Allele origin: not applicable. Functional consequence: retained intron. Not counted in ClinVar's aggregate classification.

Dr. Peter K. Rogan Lab, Western University
No classification provided (evidence only). Condition: Uterine corpus endometrial carcinoma. Review status: no classification provided. Collection method: in vitro. Allele origin: not applicable. Functional consequence: retained intron. Not counted in ClinVar's aggregate classification.

Dr. Peter K. Rogan Lab, Western University
No classification provided (evidence only). Condition: Ovarian serous cystadenocarcinoma. Review status: no classification provided. Collection method: in vitro. Allele origin: not applicable. Functional consequence: retained intron. Not counted in ClinVar's aggregate classification.

Dr. Peter K. Rogan Lab, Western University
No classification provided (evidence only). Condition: Ovarian serous cystadenocarcinoma. Review status: no classification provided. Collection method: in vitro. Allele origin: not applicable. Functional consequence: retained intron. Not counted in ClinVar's aggregate classification.

Dr. Peter K. Rogan Lab, Western University
No classification provided (evidence only). Condition: Ovarian serous cystadenocarcinoma. Review status: no classification provided. Collection method: in vitro. Allele origin: not applicable. Functional consequence: retained intron. Not counted in ClinVar's aggregate classification.